The following is an entry in ClinVar:

NM_020778.5(ALPK3):c.3124G>A (p.Gly1042Ser)

Gene: ALPK3 (alpha kinase 3; plus strand). Cytogenetic location: 15q25.3.
Variant type: single nucleotide variant.
Coding change: c.3124G>A on transcript NM_020778.5 (MANE Select); coding-DNA position 3124, G replaced by A.
Protein change: p.Gly1042Ser; replaces glycine 1042 with serine.
Molecular consequence: missense variant.
Genome position (GRCh38, 1-based): chr15:84,857,862, G>A. VCF-style: chr15-84857862-G-A. GRCh37 (hg19) VCF-style: chr15-85401093-G-A.
Other names: short protein forms G1042S.
Identifiers: ClinVar variation 1449165 (VCV001449165.12), dbSNP rs561031407, ClinGen allele CA7709560.
Genomic context (GRCh38, chr15:84,857,862, plus strand): 5'-CACCTGGTGCAGAGTGCACAGACCCTGCTGCTGAGCCCCTGTACCTCCCGCCGCCTCACC[G>A]GCCTCCTGGACCGTGAGGTGCAGGCTGGCCGCCAGGCCCTTGCTGCTGCCCGAGGCTCCT-3'
Protein context (NP_065829.4, residues 1032-1052): LSPCTSRRLT[Gly1042Ser]LLDREVQAGR

ClinVar aggregate classification (germline): Conflicting classifications of pathogenicity. Review status: criteria provided, conflicting classifications (1 of 4 stars). 4 submissions from 4 submitters: Uncertain significance (2); Likely benign (2). Last evaluated 2026-01-07.

Conditions:
ALPK3-related disorder. Also called: ALPK3-related condition.
Cardiovascular phenotype. Identifiers: MedGen CN230736.

Allele frequency attached by ClinVar (database versions not stated): gnomAD 0.00005 and 0.00007; gnomAD exomes 0.00005 and 0.00015; ExAC 0.00010; 1000 Genomes Project 30x 0.00016; 1000 Genomes Project 0.00020.
gnomAD v4.1: 90 of 1,612,158 alleles (0.0056%); highest among the groups gnomAD compares: East Asian, 0.087%; no homozygotes.

Submissions (4):

Labcorp Genetics (formerly Invitae), Labcorp
Classification: Uncertain significance. Last evaluated: 2026-01-07. Review status: criteria provided, single submitter. Criteria: Invitae Variant Classification Sherloc (09022015). Collection method: clinical testing. Allele origin: germline.
Comment: This sequence change replaces glycine, which is neutral and non-polar, with serine, which is neutral and polar, at codon 1244 of the ALPK3 protein (p.Gly1244Ser). This variant is present in population databases (rs561031407, gnomAD 0.2%). This variant has not been reported in the literature in individuals affected with ALPK3-related conditions. ClinVar contains an entry for this variant (Variation ID: 1449165). Invitae Evidence Modeling of protein sequence and biophysical properties (such as structural, functional, and spatial information, amino acid conservation, physicochemical variation, residue mobility, and thermodynamic stability) indicates that this missense variant is not expected to disrupt ALPK3 protein function with a negative predictive value of 80%. In summary, the available evidence is currently insufficient to determine the role of this variant in disease. Therefore, it has been classified as a Variant of Uncertain Significance.

PreventionGenetics, part of Exact Sciences
Classification: Likely benign for ALPK3-related condition. Last evaluated: 2025-08-20. Review status: criteria provided, single submitter. Criteria: ACMG Guidelines, 2015. Collection method: clinical testing. Allele origin: germline.
Comment: This variant is classified as likely benign based on ACMG/AMP sequence variant interpretation guidelines (Richards et al. 2015 PMID: 25741868, with internal and published modifications).

Blueprint Genetics
Classification: Likely benign. Last evaluated: 2024-11-14. Review status: criteria provided, single submitter. Criteria: ACMG Guidelines, 2015. Collection method: clinical testing. Allele origin: germline.

Ambry Genetics
Classification: Uncertain significance for Cardiovascular phenotype. Last evaluated: 2023-08-29. Review status: criteria provided, single submitter. Criteria: Ambry Variant Classification Scheme 2023. Collection method: clinical testing. Allele origin: germline.
Comment: The p.G1244S variant (also known as c.3730G>A), located in coding exon 6 of the ALPK3 gene, results from a G to A substitution at nucleotide position 3730. The glycine at codon 1244 is replaced by serine, an amino acid with similar properties. This variant co-occurred with a pathogenic variant in the TNNT2 gene in an individual tested for hypertrophic cardiomyopathy (van Lint FHM et al. Neth Heart J. 2019 Jun;27(6):304-309). This amino acid position is highly conserved in available vertebrate species. In addition, this alteration is predicted to be tolerated by in silico analysis. Since supporting evidence is limited at this time, the clinical significance of this alteration remains unclear.

Literature cited by the submitters: PubMed 30847666 (cited by Ambry Genetics).